The following is an entry in ClinVar:

ClinVar aggregate classification (germline): Conflicting classifications of pathogenicity. Review status: criteria provided, conflicting classifications (1 of 4 stars). 7 submissions from 7 submitters: Pathogenic (6); Uncertain significance (1). Last evaluated 2026-08-21.

Conditions:
NIPBL-related disorder. Also called: NIPBL-related condition.
Cornelia de Lange syndrome 1 (CDLS1). Also called: NIPBL-Related Cornelia de Lange Syndrome; Brachmann de Lange syndrome; TYPUS DEGENERATIVUS AMSTELODAMENSIS. Identifiers: Orphanet 199, MedGen C4551851, MONDO:0007387, OMIM 122470.

Submissions (7):

PreventionGenetics, part of Exact Sciences
Classification: Pathogenic for NIPBL-related condition. Last evaluated: 2026-08-21. Review status: criteria provided, single submitter. Criteria: ACMG Guidelines, 2015. Collection method: clinical testing. Allele origin: germline.
Comment: The NIPBL c.5483G>A variant is predicted to result in the amino acid substitution p.Arg1828Gln. This variant has previously been reported in multiple individuals with Cornelia de Lange syndrome and was demonstrated to have arisen de novo or as de novo mosaicism (Miyake et al. 2005. PMID: 15723327; Pozojevic et al. 2018. PMID: 29155047; Pablo et al. 2021. PMID: 34717699; Kaur et al. 2023. PMID: 37377026). At PreventionGenetics, we have also observed this variant in two individuals referred for Cornelia de Lange syndrome testing. This variant has not been reported in a large population database (gnomAD), indicating this variant is rare. This variant is interpreted as pathogenic.

Labcorp Genetics (formerly Invitae), Labcorp
Classification: Pathogenic for Cornelia de Lange syndrome 1. Last evaluated: 2025-06-11. Review status: criteria provided, single submitter. Criteria: Invitae Variant Classification Sherloc (09022015). Collection method: clinical testing. Allele origin: germline.
Comment: This sequence change replaces arginine, which is basic and polar, with glutamine, which is neutral and polar, at codon 1828 of the NIPBL protein (p.Arg1828Gln). This variant is not present in population databases (gnomAD no frequency). This missense change has been observed in individual(s) with Cornelia de Lange syndrome (PMID: 15723327, 29155047, 34717699). In at least one individual the variant was observed to be de novo. ClinVar contains an entry for this variant (Variation ID: 159154). Invitae Evidence Modeling of protein sequence and biophysical properties (such as structural, functional, and spatial information, amino acid conservation, physicochemical variation, residue mobility, and thermodynamic stability) indicates that this missense variant is expected to disrupt NIPBL protein function with a positive predictive value of 95%. This variant disrupts the p.Arg1828 amino acid residue in NIPBL. Other variant(s) that disrupt this residue have been determined to be pathogenic (Internal data). This suggests that this residue is clinically significant, and that variants that disrupt this residue are likely to be disease-causing. For these reasons, this variant has been classified as Pathogenic.

Blueprint Genetics
Classification: Pathogenic for NIPBL-related disorders. Last evaluated: 2024-05-14. Review status: criteria provided, single submitter. Criteria: ACMG Guidelines, 2015. Collection method: clinical testing. Allele origin: germline. Affected: yes. Observed: 1 variant allele.

Genomic Medicine Center of Excellence, King Faisal Specialist Hospital and Research Centre
Classification: Uncertain significance for Cornelia de Lange syndrome 1. Last evaluated: 2024-03-25. Review status: criteria provided, single submitter. Criteria: ACMG Guidelines, 2015. Collection method: research. Allele origin: germline.

Genome-Nilou Lab
Classification: Pathogenic for Cornelia de Lange syndrome 1. Last evaluated: 2021-07-15. Review status: criteria provided, single submitter. Criteria: ACMG Guidelines, 2015. Collection method: clinical testing. Allele origin: germline. Affected: no.

Center of Genomic medicine, Geneva, University Hospital of Geneva
Classification: Pathogenic for Cornelia de Lange syndrome 1. Last evaluated: 2014-03-21. Review status: criteria provided, single submitter. Criteria: MacArthur et al. (Nature 2014). Collection method: clinical testing. Allele origin: germline. Affected: yes.

Genetic Services Laboratory, University of Chicago
Classification: Pathogenic for Cornelia de Lange syndrome 1. Last evaluated: 2013-02-08. Review status: criteria provided, single submitter. Criteria: ACMG Guidelines, 2007. Collection method: clinical testing. Allele origin: germline. Inheritance: Autosomal dominant inheritance. Affected: yes.

Literature cited by the submitters: PubMed 15723327 (cited by Labcorp Genetics (formerly Invitae), Labcorp); PubMed 29155047 (cited by Labcorp Genetics (formerly Invitae), Labcorp); PubMed 34717699 (cited by Labcorp Genetics (formerly Invitae), Labcorp).

NM_133433.4(NIPBL):c.5483G>A (p.Arg1828Gln)

Gene: NIPBL (NIPBL cohesin loading factor; plus strand). Cytogenetic location: 5p13.2.
Variant type: single nucleotide variant.
Coding change: c.5483G>A on transcript NM_133433.4 (MANE Select); coding-DNA position 5483, G replaced by A.
Protein change: p.Arg1828Gln; replaces arginine 1828 with glutamine.
Molecular consequence: missense variant.
Genome position (GRCh38, 1-based): chr5:37,022,299, G>A. VCF-style: chr5-37022299-G-A. GRCh37 (hg19) VCF-style: chr5-37022401-G-A.
Other names: c.5483G>A, p.Arg1828Gln (NM_015384.5); short protein forms R1828Q.
Identifiers: ClinVar variation 159154 (VCV000159154.13), dbSNP rs587783978, ClinGen allele CA272161.